The following is an entry in ClinVar:

NM_004618.5(TOP3A):c.2038A>G (p.Met680Val)

Gene: TOP3A (DNA topoisomerase III alpha; minus strand). Cytogenetic location: 17p11.2.
Variant type: single nucleotide variant.
Coding change: c.2038A>G on transcript NM_004618.5 (MANE Select); coding-DNA position 2038, A replaced by G.
Protein change: p.Met680Val; replaces methionine 680 with valine.
Molecular consequence: missense variant.
Genome position (GRCh38, 1-based): chr17:18,280,642, T>C on the plus strand (A>G on the coding strand, the complement: TOP3A is on the minus strand). VCF-style: chr17-18280642-T-C. GRCh37 (hg19) VCF-style: chr17-18183956-T-C.
Other names: c.1753A>G, p.Met585Val (NM_001320759.2); short protein forms M585V, M680V.
Identifiers: ClinVar variation 1493041 (VCV001493041.6), dbSNP rs763605138, ClinGen allele CA8429707.

ClinVar aggregate classification (germline): Uncertain significance (1 of 4 stars; one submission).

Allele frequency attached by ClinVar (database versions not stated): gnomAD 0.00001; gnomAD exomes 0.00001 and 0.00002; ExAC 0.00001; TOPMed 0.00001.
gnomAD v4.1: 24 of 1,613,954 alleles (0.0015%); highest among the groups gnomAD compares: Non-Finnish European, 0.00051%; no homozygotes.

Submission:

Labcorp Genetics (formerly Invitae), Labcorp
Classification: Uncertain significance. Last evaluated: 2021-08-19. Review status: criteria provided, single submitter. Criteria: Invitae Variant Classification Sherloc (09022015). Collection method: clinical testing. Allele origin: germline.
Comment: This sequence change replaces methionine with valine at codon 680 of the TOP3A protein (p.Met680Val). The methionine residue is weakly conserved and there is a small physicochemical difference between methionine and valine. This variant is present in population databases (rs763605138, ExAC 0.002%). This variant has not been reported in the literature in individuals affected with TOP3A-related conditions. Algorithms developed to predict the effect of missense changes on protein structure and function output the following: SIFT: "Not Available"; PolyPhen-2: "Benign"; Align-GVGD: "Not Available". The valine amino acid residue is found in multiple mammalian species, which suggests that this missense change does not adversely affect protein function. In summary, the available evidence is currently insufficient to determine the role of this variant in disease. Therefore, it has been classified as a Variant of Uncertain Significance.